The following is an entry in ClinVar:

ClinVar aggregate classification (germline): Uncertain significance. Review status: criteria provided, multiple submitters, no conflicts (2 of 4 stars). 5 submissions from 5 submitters: Uncertain significance (4). 1 of the submissions does not count toward it. Last evaluated 2025-10-09.

Conditions:
Short-rib thoracic dysplasia 11 with or without polydactyly (SRTD11). Also called: SHORT-RIB THORACIC DYSPLASIA 11 WITHOUT POLYDACTYLY. Identifiers: Orphanet 474, Orphanet 93271, MedGen C3810200, MONDO:0014287, OMIM 615633.
Inborn genetic diseases. Identifiers: MedGen C0950123, MeSH D030342.
Retinal dystrophy. Also called: Inherited retinal dystrophy. Identifiers: Orphanet 71862, MedGen C0854723, MeSH D058499, MONDO:0019118, HP:0000556.

Allele frequency attached by ClinVar (database versions not stated): gnomAD exomes 0.00037 and 0.00058; ExAC 0.00039; gnomAD 0.00040 and 0.00051; TOPMed 0.00050; ESP Exome Variant Server 0.00054.
gnomAD v4.1: 911 of 1,613,560 alleles (0.056%); highest among the groups gnomAD compares: Non-Finnish European, 0.072%; no homozygotes.

Submissions (5):

GeneDx
Classification: Uncertain significance. Last evaluated: 2025-10-09. Review status: criteria provided, single submitter. Criteria: GeneDx Variant Classification Process June 2021. Collection method: clinical testing. Allele origin: germline. Affected: yes.
Comment: In silico analysis suggests that this missense variant does not alter protein structure/function; Has not been previously published as pathogenic or benign to our knowledge

Women's Health and Genetics/Laboratory Corporation of America, LabCorp
Classification: Uncertain significance. Last evaluated: 2025-05-09. Review status: criteria provided, single submitter. Criteria: LabCorp Variant Classification Summary - May 2015. Collection method: clinical testing. Allele origin: germline.
Comment: Variant summary: DYNC2I2 c.1499C>T (p.Ala500Val) results in a non-conservative amino acid change in the encoded protein sequence. Algorithms developed to predict the effect of missense changes on protein structure and function are either unavailable or do not agree on the potential impact of this missense change. The variant allele was found at a frequency of 0.00036 in 281920 control chromosomes. This frequency is not significantly higher than estimated for a pathogenic variant in DYNC2I2 causing Short-Rib Thoracic Dysplasia 11 With Or Without Polydactyly, allowing no conclusion about variant significance. To our knowledge, no occurrence of c.1499C>T in individuals affected with Short-Rib Thoracic Dysplasia 11 With Or Without Polydactyly and no experimental evidence demonstrating its impact on protein function have been reported. ClinVar contains an entry for this variant (Variation ID: 569453). Based on the evidence outlined above, the variant was classified as uncertain significance.

Ambry Genetics
Classification: Uncertain significance for Inborn genetic diseases. Last evaluated: 2024-11-14. Review status: criteria provided, single submitter. Criteria: Ambry Variant Classification Scheme 2023. Collection method: clinical testing. Allele origin: germline.

Labcorp Genetics (formerly Invitae), Labcorp
Classification: Uncertain significance for Short-rib thoracic dysplasia 11 with or without polydactyly. Last evaluated: 2022-07-19. Review status: criteria provided, single submitter. Criteria: Invitae Variant Classification Sherloc (09022015). Collection method: clinical testing. Allele origin: germline.
Comment: This sequence change replaces alanine, which is neutral and non-polar, with valine, which is neutral and non-polar, at codon 500 of the WDR34 protein (p.Ala500Val). This variant is present in population databases (rs142210358, gnomAD 0.07%). This variant has not been reported in the literature in individuals affected with WDR34-related conditions. ClinVar contains an entry for this variant (Variation ID: 569453). Algorithms developed to predict the effect of missense changes on protein structure and function (SIFT, PolyPhen-2, Align-GVGD) all suggest that this variant is likely to be tolerated. In summary, the available evidence is currently insufficient to determine the role of this variant in disease. Therefore, it has been classified as a Variant of Uncertain Significance.

Institute of Human Genetics, Univ. Regensburg, Univ. Regensburg
Classification: Uncertain significance for Retinal dystrophy. Last evaluated: 2023-01-01. Review status: no assertion criteria provided. Criteria: ACMG Guidelines, 2015. Collection method: clinical testing. Allele origin: germline. Affected: yes. Not counted in ClinVar's aggregate classification.

NM_052844.4(DYNC2I2):c.1499C>T (p.Ala500Val)

Gene: DYNC2I2 (dynein 2 intermediate chain 2; minus strand). Cytogenetic location: 9q34.11.
Variant type: single nucleotide variant.
Coding change: c.1499C>T on transcript NM_052844.4 (MANE Select); coding-DNA position 1499, C replaced by T.
Protein change: p.Ala500Val; replaces alanine 500 with valine.
Molecular consequence: missense variant.
Genome position (GRCh38, 1-based): chr9:128,633,856, G>A on the plus strand (C>T on the coding strand, the complement: DYNC2I2 is on the minus strand). VCF-style: chr9-128633856-G-A. GRCh37 (hg19) VCF-style: chr9-131396135-G-A.
Other names: short protein forms A500V.
Identifiers: ClinVar variation 569453 (VCV000569453.10), dbSNP rs142210358, ClinGen allele CA5266169.